The following is an entry in ClinVar:

ClinVar aggregate classification (germline): Benign (0 of 4 stars; one submission).

Conditions:
FTL-related disorder. Also called: FTL-related condition.

gnomAD v4.1: 1 of 453,282 alleles (0.00022%); highest among the groups gnomAD compares: African/African-American, 0.002%; no homozygotes.

Submission:

PreventionGenetics, part of Exact Sciences
Classification: Benign for FTL-related condition. Last evaluated: 2022-06-28. Review status: no assertion criteria provided. Collection method: clinical testing. Allele origin: germline.
Comment: This variant is classified as benign based on ACMG/AMP sequence variant interpretation guidelines (Richards et al. 2015 PMID: 25741868, with internal and published modifications).

NC_000019.10:g.48968167G>C

Genes: FTL (ferritin light chain; plus strand), GYS1 (glycogen synthase 1; minus strand). Cytogenetic location: 19q13.33.
Variant type: single nucleotide variant.
Molecular consequence: 3 prime UTR variant (on NM_002103.5). On other transcripts: non-coding transcript variant (1).
Genome position: GRCh38 VCF-style: chr19-48968167-G-C. GRCh37 (hg19) VCF-style: chr19-49471424-G-C.
Other names: c.*1121C>G (NM_001161587.2, NM_002103.5).
Identifiers: ClinVar variation 3054362 (VCV003054362.2), dbSNP rs1039712573, ClinGen allele CA633607642.